The following is an entry in ClinVar:

NM_001015877.2(PHF6):c.346C>T (p.Arg116Ter)

Gene: PHF6 (PHD finger protein 6; plus strand). Cytogenetic location: Xq26.2.
Variant type: single nucleotide variant.
Coding change: c.346C>T on transcript NM_001015877.2 (MANE Select); coding-DNA position 346, C replaced by T.
Protein change: p.Arg116Ter; replaces arginine 116 with a stop codon.
Molecular consequence: nonsense.
Genome position (GRCh38, 1-based): chrX:134,393,606, C>T. VCF-style: chrX-134393606-C-T. GRCh37 (hg19) VCF-style: chrX-133527636-C-T.
Other names: c.346C>T, p.Arg116Ter (NM_032335.3, NM_032458.3); short protein forms R116*.
Identifiers: ClinVar variation 2769148 (VCV002769148.6), dbSNP rs2520541219, ClinGen allele CA414711739.
Genomic context (GRCh38, chrX:134,393,606, plus strand): 5'-GTGAAAACATGTCACAGGACATACCACTACCACTGTGCATTGCATGATAAAGCTCAAATA[C>T]GAGAGAAACCTTCACAAGGAATTTACATGTAATTATTTAACTTCTCTTTAAGTTTTTTTT-3'

ClinVar aggregate classification (germline): Pathogenic. Review status: criteria provided, multiple submitters, no conflicts (2 of 4 stars). 4 submissions from 4 submitters: Pathogenic (4). Last evaluated 2023-12-28.

Conditions:
Borjeson-Forssman-Lehmann syndrome (BFLS). Also called: MENTAL RETARDATION, X-LINKED, SYNDROMIC, BORJESON-FORSSMAN-LEHMANN TYPE; MENTAL RETARDATION, EPILEPSY, AND ENDOCRINE DISORDERS; BORJESON SYNDROME. Identifiers: Orphanet 127, MedGen C0265339, MONDO:0010537, OMIM 301900.

Allele frequency attached by ClinVar (database versions not stated): gnomAD exomes below 0.00001.
gnomAD v4.1: 1 of 1,205,516 alleles (0.000083%); highest among the groups gnomAD compares: Non-Finnish European, 0.00011%; no homozygotes.

Submissions (4):

Fulgent Genetics
Classification: Pathogenic for Borjeson-Forssman-Lehmann syndrome. Last evaluated: 2023-12-28. Review status: criteria provided, single submitter. Criteria: ACMG Guidelines, 2015. Collection method: clinical testing. Allele origin: germline.

Labcorp Genetics (formerly Invitae), Labcorp
Classification: Pathogenic for Borjeson-Forssman-Lehmann syndrome. Last evaluated: 2023-10-30. Review status: criteria provided, single submitter. Criteria: Invitae Variant Classification Sherloc (09022015). Collection method: clinical testing. Allele origin: germline.
Comment: This sequence change creates a premature translational stop signal (p.Arg116*) in the PHF6 gene. It is expected to result in an absent or disrupted protein product. Loss-of-function variants in PHF6 are known to be pathogenic (PMID: 12415272, 24092917, 25099957, 26648834). This variant is not present in population databases (gnomAD no frequency). This premature translational stop signal has been observed in individual(s) with Borjeson-Forssman-Lehmann syndrome (PMID: 27698851, 35662002). In at least one individual the variant was observed to be de novo. For these reasons, this variant has been classified as Pathogenic.

Victorian Clinical Genetics Services, Murdoch Childrens Research Institute
Classification: Pathogenic for Borjeson-Forssman-Lehmann syndrome. Last evaluated: 2023-07-17. Review status: criteria provided, single submitter. Criteria: ACMG Guidelines, 2015. Collection method: clinical testing. Allele origin: germline. Inheritance: X-linked recessive inheritance. Affected: yes.
Comment: Based on the classification scheme VCGS_Germline_v1.3.4, this variant is classified as Pathogenic. Following criteria are met: 0102 - Loss of function is a known mechanism of disease in this gene and is associated with Borjeson-Forssman-Lehmann syndrome (MIM# 301900) in males; females heterozygous for pathogenic variants show an overlapping but distinct phenotype (PMID: 35662002). (I) 0109 - This gene is associated with X-linked recessive disease in males. Female with heterozygous variants may be affected; variant type and skewed X-inactivation may contribute to gender-specific phenotypes (PMID: 35662002). (I) 0201 - Variant is predicted to cause nonsense-mediated decay (NMD) and loss of protein (premature termination codon is located at least 54 nucleotides upstream of the final exon-exon junction). (SP) 0251 - This variant is heterozygous. (I) 0301 - Variant is absent from gnomAD (both v2 and v3). (SP) 0702 - Other NMD-predicted variants comparable to the one identified in this case have strong previous evidence for pathogenicity in heterozygous females (PMIDs: 35662002, 34041787). (SP) 0802 - This variant has moderate previous evidence of pathogenicity in unrelated individuals. This variant has been observed in two heterozygous females with Borjeson-Forssman-Lehmann syndrome, with de novo inheritance reported in one (PMIDs: 35662002, 36999477). (SP) 1208 - Inheritance information for this variant is not currently available in this individual. (I) Legend: (SP) - Supporting pathogenic, (I) - Information, (SB) - Supporting benign

3billion
Classification: Pathogenic for Borjeson-Forssman-Lehmann syndrome. Last evaluated: 2023-06-01. Review status: criteria provided, single submitter. Criteria: ACMG Guidelines, 2015. Collection method: clinical testing. Allele origin: germline. Affected: yes.
Comment: The variant is not observed in the gnomAD v2.1.1 dataset. Predicted Consequence/Location: Stop-gained (nonsense): predicted to result in a loss or disruption of normal protein function through nonsense-mediated decay (NMD) or protein truncation. Multiple pathogenic variants are reported downstream of the variant. The variant has been previously reported as de novo in a similarly affected individual (PMID: 35662002). The variant has been reported to be associated with PHF6 related disorder (PMID: 35662002). Therefore, this variant is classified as Pathogenic according to the recommendation of ACMG/AMP guideline.

Literature cited by the submitters: PubMed 12415272 (cited by Labcorp Genetics (formerly Invitae), Labcorp); PubMed 24092917 (cited by Labcorp Genetics (formerly Invitae), Labcorp); PubMed 25099957 (cited by Labcorp Genetics (formerly Invitae), Labcorp); PubMed 26648834 (cited by Labcorp Genetics (formerly Invitae), Labcorp); PubMed 27698851 (cited by Labcorp Genetics (formerly Invitae), Labcorp); PubMed 35662002 (cited by 3 submitters); PubMed 34041787 (cited by Victorian Clinical Genetics Services, Murdoch Childrens Research Institute); PubMed 36999477 (cited by Victorian Clinical Genetics Services, Murdoch Childrens Research Institute).